The following is an entry in ClinVar:

NM_001118887.2(ANGPT2):c.1155G>C (p.Leu385Phe)

Genes: ANGPT2 (angiopoietin 2; minus strand), MCPH1 (microcephalin 1; plus strand). Cytogenetic location: 8p23.1.
Variant type: single nucleotide variant.
Coding change: c.1155G>C on transcript NM_001118887.2 (MANE Select); coding-DNA position 1155, G replaced by C.
Protein change: p.Leu385Phe; replaces leucine 385 with phenylalanine.
Molecular consequence: missense variant. On other transcripts: intron variant (6).
Genome position (GRCh38, 1-based): chr8:6,513,719, C>G on the plus strand (G>C on the coding strand, the complement: ANGPT2 is on the minus strand). VCF-style: chr8-6513719-C-G. GRCh37 (hg19) VCF-style: chr8-6371240-C-G.
Other names: c.1002G>C, p.Leu334Phe (NM_001118888.2); c.1158G>C, p.Leu386Phe (NM_001147.3, NM_001386336.1); c.999G>C, p.Leu333Phe (NM_001386335.1); c.1155G>C, p.Leu385Phe (NM_001386337.1); c.2214+13790C>G (NM_001322042.2, NM_024596.5, NM_001363979.1 and 2 more transcripts); c.1935+58467C>G (NM_001363980.2); short protein forms L333F, L334F, L385F, L386F.
Identifiers: ClinVar variation 3341635 (VCV003341635.16).

ClinVar aggregate classification (germline): Benign (1 of 4 stars; one submission).

gnomAD v4.1: 4,091 of 1,613,360 alleles (0.25%); highest among the groups gnomAD compares: Non-Finnish European, 0.32%; 8 homozygotes.

Submission:

CeGaT Center for Human Genetics Tuebingen
Classification: Benign. Last evaluated: 2026-07-01. Review status: criteria provided, single submitter. Criteria: CeGaT Center For Human Genetics Tuebingen Variant Classification Criteria Version 2. Collection method: clinical testing. Allele origin: germline. Affected: yes. Observed: 8 variant alleles.
Comment: ANGPT2: BP4, BS1, BS2